The following is an entry in ClinVar:

ClinVar aggregate classification (germline): Pathogenic (1 of 4 stars; one submission).

Submission:

Labcorp Genetics (formerly Invitae), Labcorp
Classification: Pathogenic. Last evaluated: 2023-07-10. Review status: criteria provided, single submitter. Criteria: Invitae Variant Classification Sherloc (09022015). Collection method: clinical testing. Allele origin: germline.
Comment: Algorithms developed to predict the effect of sequence changes on RNA splicing suggest that this variant may disrupt the consensus splice site. For these reasons, this variant has been classified as Pathogenic. This variant has not been reported in the literature in individuals affected with PET100-related conditions. This variant is not present in population databases (gnomAD no frequency). This sequence change creates a premature translational stop signal (p.Tyr13*) in the PET100 gene. It is expected to result in an absent or disrupted protein product. Loss-of-function variants in PET100 are known to be pathogenic (PMID: 24462369, 25293719, 31406627).

Literature cited by the submitters: PubMed 24462369; PubMed 25293719; PubMed 31406627.

NM_001171155.2(PET100):c.39C>A (p.Tyr13Ter)

Genes: PET100 (PET100 cytochrome c oxidase chaperone; plus strand), STXBP2 (syntaxin binding protein 2; plus strand). Cytogenetic location: 19p13.2.
Variant type: single nucleotide variant.
Coding change: c.39C>A on transcript NM_001171155.2 (MANE Select); coding-DNA position 39, C replaced by A.
Protein change: p.Tyr13Ter; replaces tyrosine 13 with a stop codon.
Molecular consequence: nonsense. On other transcripts: non-coding transcript variant (1), 5 prime UTR variant (1).
Genome position (GRCh38, 1-based): chr19:7,630,584, C>A. VCF-style: chr19-7630584-C-A. GRCh37 (hg19) VCF-style: chr19-7695470-C-A.
Other names: c.-159C>A (NM_001414484.1); short protein forms Y13*.
Identifiers: ClinVar variation 2740392 (VCV002740392.3), dbSNP rs1311193105, ClinGen allele CA403153574.